The following is an entry in ClinVar:

ClinVar aggregate classification (germline): Benign. Review status: criteria provided, multiple submitters, no conflicts (2 of 4 stars). 4 submissions from 4 submitters: Benign (4). Last evaluated 2025-07-10.

Conditions:
Hereditary cancer-predisposing syndrome. Also called: Neoplastic Syndromes, Hereditary; Tumor predisposition; Hereditary neoplastic syndrome; Hereditary Cancer Syndrome. Identifiers: Orphanet 140162, MedGen C0027672, MeSH D009386, MONDO:0015356.

Allele frequency attached by ClinVar (database versions not stated): 1000 Genomes Project 0.70447; 1000 Genomes Project 30x 0.71471; gnomAD exomes 0.73077 and 0.75106; ExAC 0.73490; gnomAD 0.78107 and 0.79036; TOPMed 0.78685; ESP Exome Variant Server 0.81086.
gnomAD v4.1: 1,195,732 of 1,588,260 alleles (75%); highest among the groups gnomAD compares: African/African-American, 90%; 457,142 homozygotes.

Submissions (4):

GeneKor MSA
Classification: Benign for Hereditary cancer-predisposing syndrome. Last evaluated: 2025-07-10. Review status: criteria provided, single submitter. Criteria: ACMG Guidelines, 2015. Collection method: clinical testing. Allele origin: germline.

Unidad de Genómica Garrahan, Hospital de Pediatría Garrahan
Classification: Benign. Last evaluated: 2024-01-24. Review status: criteria provided, single submitter. Criteria: ACMG Guidelines, 2015. Collection method: clinical testing. Allele origin: germline. Affected: no. Observed: 85 variant alleles.
Comment: This variant is classified as Benign based on local population frequency. This variant was detected in 89% of patients studied by a panel of primary immunodeficiencies. Number of patients: 85. Only high quality variants are reported.

GeneDx
Classification: Benign. Last evaluated: 2018-06-20. Review status: criteria provided, single submitter. Criteria: GeneDx Variant Classification (06012015). Collection method: clinical testing. Allele origin: germline. Affected: yes.
Comment: This variant is considered likely benign or benign based on one or more of the following criteria: it is a conservative change, it occurs at a poorly conserved position in the protein, it is predicted to be benign by multiple in silico algorithms, and/or has population frequency not consistent with disease.

Breakthrough Genomics
Classification: Benign. Review status: criteria provided, single submitter. Criteria: ACMG Guidelines, 2015. Collection method: not provided. Allele origin: germline. Inheritance: Autosomal dominant inheritance. Affected: yes.

NM_002691.4(POLD1):c.1243-50T>G

Gene: POLD1 (DNA polymerase delta 1, catalytic subunit; plus strand). Cytogenetic location: 19q13.33.
Variant type: single nucleotide variant.
Coding change: c.1243-50T>G on transcript NM_002691.4 (MANE Select); 50 bases into the intron before coding-DNA position 1243, T replaced by G.
Molecular consequence: intron variant.
Genome position (GRCh38, 1-based): chr19:50,406,132, T>G. VCF-style: chr19-50406132-T-G. GRCh37 (hg19) VCF-style: chr19-50909389-T-G.
Other names: c.1243-50T>G (NM_001256849.1, NM_001308632.1).
Identifiers: ClinVar variation 676483 (VCV000676483.5), dbSNP rs1673041, ClinGen allele CA9596080.